The following is an entry in ClinVar:

NM_006206.6(PDGFRA):c.1271A>C (p.His424Pro)

Gene: PDGFRA (platelet derived growth factor receptor alpha; plus strand). Cytogenetic location: 4q12.
Variant type: single nucleotide variant.
Coding change: c.1271A>C on transcript NM_006206.6 (MANE Select); coding-DNA position 1271, A replaced by C.
Protein change: p.His424Pro; replaces histidine 424 with proline.
Molecular consequence: missense variant.
Genome position (GRCh38, 1-based): chr4:54,272,427, A>C. VCF-style: chr4-54272427-A-C. GRCh37 (hg19) VCF-style: chr4-55138594-A-C.
Other names: c.1271A>C, p.His424Pro (NM_001347827.2, NM_001347829.2); c.1346A>C, p.His449Pro (NM_001347828.2); c.1310A>C, p.His437Pro (NM_001347830.2); short protein forms H449P, H424P, H437P.
Identifiers: ClinVar variation 1468121 (VCV001468121.8), dbSNP rs2110286845, ClinGen allele CA356892207.

ClinVar aggregate classification (germline): Uncertain significance (1 of 4 stars; one submission).

Conditions:
Gastrointestinal stromal tumor. Also called: Gastrointestinal stroma tumor; Gastrointestinal stromal tumor, somatic. Identifiers: Orphanet 44890, MedGen C0238198, MeSH D046152, MONDO:0011719, OMIM 606764, HP:0100723.

Submission:

Labcorp Genetics (formerly Invitae), Labcorp
Classification: Uncertain significance for Gastrointestinal stromal tumor. Last evaluated: 2021-06-28. Review status: criteria provided, single submitter. Criteria: Invitae Variant Classification Sherloc (09022015). Collection method: clinical testing. Allele origin: germline.
Comment: This sequence change replaces histidine with proline at codon 424 of the PDGFRA protein (p.His424Pro). The histidine residue is highly conserved and there is a moderate physicochemical difference between histidine and proline. This variant is not present in population databases (ExAC no frequency). This variant has not been reported in the literature in individuals with PDGFRA-related conditions. Algorithms developed to predict the effect of missense changes on protein structure and function are either unavailable or do not agree on the potential impact of this missense change (SIFT: "Deleterious"; PolyPhen-2: "Possibly Damaging"; Align-GVGD: "Class C0"). In summary, the available evidence is currently insufficient to determine the role of this variant in disease. Therefore, it has been classified as a Variant of Uncertain Significance.